The following is an entry in ClinVar:

NM_001042492.3(NF1):c.7787_7793del (p.Val2596fs)

Gene: NF1 (neurofibromin 1; plus strand). Cytogenetic location: 17q11.2.
Variant type: Deletion.
Coding change: c.7787_7793del on transcript NM_001042492.3 (MANE Select); coding-DNA positions 7787 to 7793, 7 bases deleted (TTTCAGT; older notation c.7787_7793delTTTCAGT).
Protein change: p.Val2596fs; shifts the reading frame from valine 2596.
Molecular consequence: frameshift variant.
Genome position (GRCh38, 1-based): chr17:31,357,008-31,357,014, TTTCAGT deleted. VCF-style (leftmost placement, unchanged base first): chr17-31357007-GTTTCAGT-G. GRCh37 (hg19) VCF-style: chr17-29684025-GTTTCAGT-G.
Other names: c.7724_7730delTTTCAGT, p.Val2575Glyfs (NM_000267.4); short protein forms V2575fs, V2596fs.
Identifiers: ClinVar variation 1333256 (VCV001333256.1), dbSNP rs2151582306, ClinGen allele CA2573054404.

ClinVar aggregate classification (germline): Likely pathogenic (1 of 4 stars; one submission).

Conditions:
Neurofibromatosis, type 1 (NF1). Also called: Peripheral type neurofibromatosis; Neurofibromatosis, type I; VON RECKLINGHAUSEN DISEASE; NEUROFIBROMATOSIS, TYPE I, SOMATIC. Identifiers: Orphanet 636, MedGen C0027831, MONDO:0018975, OMIM 162200. Disease mechanism: loss of function.

Submission:

3billion
Classification: Likely pathogenic for Neurofibromatosis, type 1. Last evaluated: 2022-01-03. Review status: criteria provided, single submitter. Criteria: ACMG Guidelines, 2015. Collection method: clinical testing. Allele origin: germline. Affected: yes. Observed: 1 heterozygote.
Comment: Frameshift: predicted to result in a loss or disruption of normal protein function through nonsense-mediated decay (NMD) or protein truncation. Multiple pathogenic variants are reported downstream of the variant (PVS1_VS). It is not observed in the gnomAD v2.1.1 dataset (PM2_M). Therefore, this variant is classified as likely pathogenic according to the recommendation of ACMG/AMP guideline.